The following is an entry in ClinVar:

ClinVar aggregate classification (germline): Uncertain significance (1 of 4 stars; one submission).

Submission:

Labcorp Genetics (formerly Invitae), Labcorp
Classification: Uncertain significance. Last evaluated: 2025-06-12. Review status: criteria provided, single submitter. Criteria: Invitae Variant Classification Sherloc (09022015). Collection method: clinical testing. Allele origin: germline.
Comment: This sequence change replaces glycine, which is neutral and non-polar, with arginine, which is basic and polar, at codon 1598 of the FREM1 protein (p.Gly1598Arg). Information on the frequency of this variant in the gnomAD database is not available, as this variant may be reported differently in the database. This variant has not been reported in the literature in individuals affected with FREM1-related conditions. ClinVar contains an entry for this variant (Variation ID: 2986164). Experimental studies and prediction algorithms are not available or were not evaluated, and the functional significance of this variant is currently unknown. In summary, the available evidence is currently insufficient to determine the role of this variant in disease. Therefore, it has been classified as a Variant of Uncertain Significance.

NM_001379081.2(FREM1):c.4791_4792inv (p.Gly1598Arg)

Gene: FREM1 (FRAS1 related extracellular matrix 1; minus strand). Cytogenetic location: 9p22.3.
Variant type: Inversion.
Coding change: c.4791_4792inv on transcript NM_001379081.2 (MANE Select).
Protein change: p.Gly1598Arg; replaces glycine 1598 with arginine.
Molecular consequence: missense variant. On other transcripts: non-coding transcript variant (2).
Genome position: GRCh38 VCF-style: chr9-14775854-CA-TG. GRCh37 (hg19) VCF-style: chr9-14775852-CA-TG.
Other names: c.399_400inv, p.Gly134Arg (NM_001370058.2, NM_001370061.2, NM_001177704.3); c.4791_4792inv, p.Gly1598Arg (NM_144966.7); short protein forms G1598R, G134R.
Identifiers: ClinVar variation 2986164 (VCV002986164.3), ClinGen allele CA2740095432.
Genomic context (GRCh38, chr9:14,775,854, plus strand): 5'-TGGTGAATAAAACAGGTTCTTCCCACACTCTCCCATTCACAATAAAGCCTTGGTTTGTCC[CA>TG]TCTGTGGCCATGAAAGTAAAGCAGTCAGTCTGGGAGTCCCCTCCTGAGTGCCGATAGGCC-3'
Protein context (NP_001366010.1, residues 1588-1608): TDCFTFMATD[Gly1598Arg]TNQGFIVNGR